The following is an entry in ClinVar:

ClinVar aggregate classification (germline): Uncertain significance (1 of 4 stars; one submission).

Conditions:
Hereditary cancer-predisposing syndrome. Also called: Neoplastic Syndromes, Hereditary; Tumor predisposition; Hereditary Cancer Syndrome; Hereditary neoplastic syndrome. Identifiers: Orphanet 140162, MedGen C0027672, MeSH D009386, MONDO:0015356.
Cardiovascular phenotype. Identifiers: MedGen CN230736.

Submission:

Ambry Genetics
Classification: Uncertain significance for Cardiovascular phenotype; Hereditary cancer-predisposing syndrome. Last evaluated: 2021-09-20. Review status: criteria provided, single submitter. Criteria: Ambry Variant Classification Scheme 2023. Collection method: clinical testing. Allele origin: germline.
Comment: The p.D668H variant (also known as c.2002G>C) is located in coding exon 18 of the NF1 gene. The aspartic acid at codon 668 is replaced by histidine, an amino acid with similar properties. This change occurs in the first base pair of coding exon 18. This amino acid position is not well conserved in available vertebrate species. In addition, this alteration is predicted to be tolerated by in silico analysis. Since supporting evidence is limited at this time, the clinical significance of this alteration remains unclear.

NM_001042492.3(NF1):c.2002G>C (p.Asp668His)

Gene: NF1 (neurofibromin 1; plus strand). Cytogenetic location: 17q11.2.
Variant type: single nucleotide variant.
Coding change: c.2002G>C on transcript NM_001042492.3 (MANE Select); coding-DNA position 2002, G replaced by C.
Protein change: p.Asp668His; replaces aspartic acid 668 with histidine.
Molecular consequence: missense variant.
Genome position (GRCh38, 1-based): chr17:31,226,435, G>C. VCF-style: chr17-31226435-G-C. GRCh37 (hg19) VCF-style: chr17-29553453-G-C.
Other names: c.2002G>C, p.Asp668His (NM_000267.4); short protein forms D668H.
Identifiers: ClinVar variation 1784269 (VCV001784269.2), dbSNP rs1445299269, ClinGen allele CA398981988.